The following is an entry in ClinVar:

ClinVar aggregate classification (germline): Likely benign (1 of 4 stars; one submission).

Allele frequency attached by ClinVar (database versions not stated): TOPMed 0.00005; gnomAD 0.00006; gnomAD exomes 0.00021.
gnomAD v4.1: 221 of 1,150,478 alleles (0.019%); highest among the groups gnomAD compares: Middle Eastern, 0.046%; no homozygotes.

Submission:

CeGaT Center for Human Genetics Tuebingen
Classification: Likely benign. Last evaluated: 2023-02-01. Review status: criteria provided, single submitter. Criteria: CeGaT Center For Human Genetics Tuebingen Variant Classification Criteria Version 2. Collection method: clinical testing. Allele origin: germline. Affected: yes. Observed: 1 variant allele.
Comment: PUDP: BP4, BP7

NM_012080.5(PUDP):c.511-7262A>G

Gene: PUDP (pseudouridine 5'-phosphatase; minus strand). Cytogenetic location: Xp22.31.
Variant type: single nucleotide variant.
Coding change: c.511-7262A>G on transcript NM_012080.5 (MANE Select); 7262 bases into the intron before coding-DNA position 511, A replaced by G.
Molecular consequence: intron variant. On other transcripts: synonymous variant (1).
Genome position (GRCh38, 1-based): chrX:7,057,734, T>C on the plus strand (A>G on the coding strand, the complement: PUDP is on the minus strand). VCF-style: chrX-7057734-T-C. GRCh37 (hg19) VCF-style: chrX-6975775-T-C.
Other names: c.600A>G, p.Gln200= (NM_001178135.2); c.382-7262A>G (NM_001178136.2); c.580-7262A>G (NM_001135565.2).
Identifiers: ClinVar variation 2659912 (VCV002659912.24), dbSNP rs757443612, ClinGen allele CA326404759.